The following is an entry in ClinVar:

ClinVar aggregate classification (germline): Pathogenic (1 of 4 stars; one submission).

Conditions:
Saldino-Mainzer syndrome (SRTD9). Also called: CONORENAL SYNDROME; Renal dysplasia, retinal pigmentary dystrophy, cerebellar ataxia and skeletal dysplasia; SHORT-RIB THORACIC DYSPLASIA 9 WITHOUT POLYDACTYLY; short-rib thoracic dysplasia 9 with or without polydactyly. Identifiers: Orphanet 140969, MedGen C1849437, MONDO:0009964, OMIM 266920.

Submission:

Labcorp Genetics (formerly Invitae), Labcorp
Classification: Pathogenic for Saldino-Mainzer syndrome. Last evaluated: 2026-01-11. Review status: criteria provided, single submitter. Criteria: Invitae Variant Classification Sherloc (09022015). Collection method: clinical testing. Allele origin: germline.
Comment: This sequence change creates a premature translational stop signal (p.Leu129Valfs*48) in the IFT140 gene. It is expected to result in an absent or disrupted protein product. Loss-of-function variants in IFT140 are known to be pathogenic (PMID: 22503633, 23418020, 24009529, 26216056). This variant is not present in population databases (gnomAD no frequency). This variant has not been reported in the literature in individuals affected with IFT140-related conditions. For these reasons, this variant has been classified as Pathogenic.

Literature cited by the submitters: PubMed 22503633; PubMed 23418020; PubMed 24009529; PubMed 26216056.

NM_014714.4(IFT140):c.384_385del (p.Leu129fs)

Genes: IFT140 (intraflagellar transport 140; minus strand), LOC105371046 (uncharacterized LOC105371046; plus strand). Cytogenetic location: 16p13.3.
Variant type: Microsatellite.
Coding change: c.384_385del on transcript NM_014714.4 (MANE Select); coding-DNA positions 384 to 385, 2 bases deleted (CT; older notation c.384_385delCT).
Protein change: p.Leu129fs; shifts the reading frame from leucine 129.
Molecular consequence: frameshift variant.
Genome position (GRCh38, 1-based): chr16:1,592,573-1,592,574, AG deleted on the plus strand (CT on the coding strand, the reverse complement: IFT140 is on the minus strand); deleting any 2 consecutive bases within chr16:1,592,573-1,592,576 gives the same sequence; the c. name uses the placement nearest the transcript's 3' end. VCF-style (leftmost placement, unchanged base first): chr16-1592572-AAG-A. GRCh37 (hg19) VCF-style: chr16-1642573-AAG-A.
Other names: short protein forms L129fs.
Identifiers: ClinVar variation 4734816 (VCV004734816.1).
Genomic context (GRCh38, chr16:1,592,572, plus strand): 5'-CCATACTCGTGTTTCAGCAGAGGCGTCCCTTGCACTCGGCCCCTTTGGTCCAACCTCCAC[AAG>A]AGCAAGACACCAAGCTGGAAAGACCCAACACCACGTGTTAGGACAGGTGTCCCGGCAGAG-3'